The following is an entry in ClinVar:

NM_024496.4(IRF2BPL):c.288_319del (p.Ala97fs)

Genes: IRF2BPL (interferon regulatory factor 2 binding protein like; minus strand), LOC107984638 (uncharacterized LOC107984638; plus strand). Cytogenetic location: 14q24.3.
Variant type: Deletion.
Coding change: c.288_319del on transcript NM_024496.4 (MANE Select); coding-DNA positions 288 to 319, 32 bases deleted.
Protein change: p.Ala97fs; shifts the reading frame from alanine 97.
Molecular consequence: frameshift variant.
Genome position (GRCh38, 1-based): chr14:77,027,474-77,027,505, 32 bases deleted; deleting any 32 consecutive bases within chr14:77,027,474-77,027,507 gives the same sequence; the c. name uses the placement nearest the transcript's 3' end. GRCh37 (hg19): chr14:77,493,819-77,493,850.
Other names: short protein forms A97fs.
Identifiers: ClinVar variation 1708706 (VCV001708706.2), dbSNP rs2503079126, ClinGen allele CA2580088809.

ClinVar aggregate classification (germline): Pathogenic (1 of 4 stars; one submission).

Submission:

GeneDx
Classification: Pathogenic. Last evaluated: 2022-04-20. Review status: criteria provided, single submitter. Criteria: GeneDx Variant Classification Process June 2021. Collection method: clinical testing. Allele origin: germline. Affected: yes.
Comment: Frameshift variant predicted to result in protein truncation, as the last 700 amino acids are replaced with 24 different amino acids, and other loss-of-function variants have been reported downstream in HGMD; Not observed at significant frequency in large population cohorts (gnomAD); Has not been previously published as pathogenic or benign to our knowledge